The following is an entry in ClinVar:

ClinVar aggregate classification (germline): Uncertain significance (1 of 4 stars; one submission).

Allele frequency attached by ClinVar (database versions not stated): gnomAD exomes 0.00002 and 0.00003; ExAC 0.00003; gnomAD 0.00006 and 0.00007; TOPMed 0.00007.
gnomAD v4.1: 44 of 1,453,876 alleles (0.003%); highest among the groups gnomAD compares: Admixed American, 0.017%; no homozygotes.

Submission:

Labcorp Genetics (formerly Invitae), Labcorp
Classification: Uncertain significance. Last evaluated: 2024-11-05. Review status: criteria provided, single submitter. Criteria: Invitae Variant Classification Sherloc (09022015). Collection method: clinical testing. Allele origin: germline.
Comment: This sequence change falls in intron 3 of the MUT gene. It does not directly change the encoded amino acid sequence of the MUT protein. This variant is present in population databases (rs746457518, gnomAD 0.009%). This variant has not been reported in the literature in individuals affected with MUT-related conditions. ClinVar contains an entry for this variant (Variation ID: 1356071). Algorithms developed to predict the effect of sequence changes on RNA splicing suggest that this variant may disrupt the consensus splice site. In summary, the available evidence is currently insufficient to determine the role of this variant in disease. Therefore, it has been classified as a Variant of Uncertain Significance.

NM_000255.4(MMUT):c.754-18A>G

Gene: MMUT (methylmalonyl-CoA mutase; minus strand). Cytogenetic location: 6p12.3.
Variant type: single nucleotide variant.
Coding change: c.754-18A>G on transcript NM_000255.4 (MANE Select); 18 bases into the intron before coding-DNA position 754, A replaced by G.
Molecular consequence: intron variant.
Genome position (GRCh38, 1-based): chr6:49,456,255, T>C on the plus strand (A>G on the coding strand, the complement: MMUT is on the minus strand). VCF-style: chr6-49456255-T-C. GRCh37 (hg19) VCF-style: chr6-49423968-T-C.
Identifiers: ClinVar variation 1356071 (VCV001356071.4), dbSNP rs746457518, ClinGen allele CA3847044.